The following is an entry in ClinVar:

NM_015346.4(ZFYVE26):c.5700G>A (p.Val1900=)

Gene: ZFYVE26 (zinc finger FYVE-type containing 26; minus strand). Cytogenetic location: 14q24.1.
Variant type: single nucleotide variant.
Coding change: c.5700G>A on transcript NM_015346.4 (MANE Select); coding-DNA position 5700, G replaced by A.
Protein change: p.Val1900=; no amino-acid change (valine 1900 retained).
Molecular consequence: synonymous variant.
Genome position (GRCh38, 1-based): chr14:67,767,794, C>T on the plus strand (G>A on the coding strand, the complement: ZFYVE26 is on the minus strand). VCF-style: chr14-67767794-C-T. GRCh37 (hg19) VCF-style: chr14-68234511-C-T.
Identifiers: ClinVar variation 702255 (VCV000702255.11), dbSNP rs751994151, ClinGen allele CA7239410.
Genomic context (GRCh38, chr14:67,767,794, plus strand): 5'-CTCATTTTCCTCCTCTTTGAGATCCAAAATCCATTCCACCTCATCTGCTTTGGGGACTCT[C>T]ACCACAAACGAGTATGGAGGGCTTTCATTCTTGGAGCTGTCTAGAGCTGAGAAGAGAAAT-3'
Protein context (NP_056161.2, residues 1890-1910): KNESPPYSFV[Val1900=]RVPKADEVEW

ClinVar aggregate classification (germline): Likely benign. Review status: criteria provided, multiple submitters, no conflicts (2 of 4 stars). 2 submissions from 2 submitters: Likely benign (2). Last evaluated 2025-10-03.

Conditions:
Spastic paraplegia. Identifiers: MedGen C0037772, HP:0001258.

Allele frequency attached by ClinVar (database versions not stated): gnomAD exomes 0.00001 and 0.00005; ExAC 0.00002; TOPMed 0.00002.
gnomAD v4.1: 70 of 1,614,190 alleles (0.0043%); highest among the groups gnomAD compares: Non-Finnish European, 0.0058%; no homozygotes.

Submissions (2):

Athena Diagnostics
Classification: Likely benign. Last evaluated: 2025-10-03. Review status: criteria provided, single submitter. Criteria: Athena Diagnostics Criteria. Collection method: clinical testing. Allele origin: unknown.
Comment: Computational tools yielded predictions that this variant is unlikely to have an effect on normal RNA splicing. This nucleotide position exhibits low evolutionary conservation.

Labcorp Genetics (formerly Invitae), Labcorp
Classification: Likely benign for Spastic paraplegia. Last evaluated: 2024-01-31. Review status: criteria provided, single submitter. Criteria: Invitae Variant Classification Sherloc (09022015). Collection method: clinical testing. Allele origin: germline.